The following is an entry in ClinVar:

ClinVar aggregate classification (germline): Uncertain significance. Review status: criteria provided, multiple submitters, no conflicts (2 of 4 stars). 2 submissions from 2 submitters: Uncertain significance (2). Last evaluated 2025-06-04.

Conditions:
Cornelia de Lange syndrome 1 (CDLS1). Also called: NIPBL-Related Cornelia de Lange Syndrome; Brachmann de Lange syndrome; TYPUS DEGENERATIVUS AMSTELODAMENSIS. Identifiers: Orphanet 199, MedGen C4551851, MONDO:0007387, OMIM 122470.
NIPBL-related disorder. Also called: NIPBL-related condition.

Allele frequency attached by ClinVar (database versions not stated): gnomAD exomes below 0.00001.
gnomAD v4.1: 2 of 1,575,922 alleles (0.00013%); highest among the groups gnomAD compares: Admixed American, 0.0019%; no homozygotes.

Submissions (2):

Labcorp Genetics (formerly Invitae), Labcorp
Classification: Uncertain significance for Cornelia de Lange syndrome 1. Last evaluated: 2025-06-04. Review status: criteria provided, single submitter. Criteria: Invitae Variant Classification Sherloc (09022015). Collection method: clinical testing. Allele origin: germline.
Comment: This sequence change replaces aspartic acid, which is acidic and polar, with histidine, which is basic and polar, at codon 1019 of the NIPBL protein (p.Asp1019His). This variant is present in population databases (no rsID available, gnomAD 0.004%). This variant has not been reported in the literature in individuals affected with NIPBL-related conditions. ClinVar contains an entry for this variant (Variation ID: 2632758). Invitae Evidence Modeling of protein sequence and biophysical properties (such as structural, functional, and spatial information, amino acid conservation, physicochemical variation, residue mobility, and thermodynamic stability) indicates that this missense variant is not expected to disrupt NIPBL protein function with a negative predictive value of 95%. In summary, the available evidence is currently insufficient to determine the role of this variant in disease. Therefore, it has been classified as a Variant of Uncertain Significance.

PreventionGenetics, part of Exact Sciences
Classification: Uncertain significance for NIPBL-related condition. Last evaluated: 2023-04-11. Review status: criteria provided, single submitter. Criteria: ACMG Guidelines, 2015. Collection method: clinical testing. Allele origin: germline.
Comment: The NIPBL c.3055G>C variant is predicted to result in the amino acid substitution p.Asp1019His. To our knowledge, this variant has not been reported in the literature. This variant is reported in 0.0036% of alleles in individuals of Latino descent in gnomAD. At this time, the clinical significance of this variant is uncertain due to the absence of conclusive functional and genetic evidence.

NM_133433.4(NIPBL):c.3055G>C (p.Asp1019His)

Gene: NIPBL (NIPBL cohesin loading factor; plus strand). Cytogenetic location: 5p13.2.
Variant type: single nucleotide variant.
Coding change: c.3055G>C on transcript NM_133433.4 (MANE Select); coding-DNA position 3055, G replaced by C.
Protein change: p.Asp1019His; replaces aspartic acid 1019 with histidine.
Molecular consequence: missense variant.
Genome position (GRCh38, 1-based): chr5:36,986,235, G>C. VCF-style: chr5-36986235-G-C. GRCh37 (hg19) VCF-style: chr5-36986337-G-C.
Other names: c.3055G>C, p.Asp1019His (NM_015384.5); short protein forms D1019H.
Identifiers: ClinVar variation 2632758 (VCV002632758.2), dbSNP rs1245018888, ClinGen allele CA359507987.